The following is an entry in ClinVar:

ClinVar aggregate classification (germline): Likely benign (0 of 4 stars; one submission).

Conditions:
PLXNA2-related disorder. Also called: PLXNA2-related condition.

gnomAD v4.1: 45 of 1,614,084 alleles (0.0028%); highest among the groups gnomAD compares: Admixed American, 0.0083%; no homozygotes.

Submission:

PreventionGenetics, part of Exact Sciences
Classification: Likely benign for PLXNA2-related condition. Last evaluated: 2024-05-17. Review status: no assertion criteria provided. Collection method: clinical testing. Allele origin: germline.
Comment: This variant is classified as likely benign based on ACMG/AMP sequence variant interpretation guidelines (Richards et al. 2015 PMID: 25741868, with internal and published modifications).

NM_025179.4(PLXNA2):c.4098G>T (p.Leu1366=)

Gene: PLXNA2 (plexin A2; minus strand). Cytogenetic location: 1q32.2.
Variant type: single nucleotide variant.
Coding change: c.4098G>T on transcript NM_025179.4 (MANE Select); coding-DNA position 4098, G replaced by T.
Protein change: p.Leu1366=; no amino-acid change (leucine 1366 retained).
Molecular consequence: synonymous variant.
Genome position (GRCh38, 1-based): chr1:208,042,286, C>A on the plus strand (G>T on the coding strand, the complement: PLXNA2 is on the minus strand). VCF-style: chr1-208042286-C-A. GRCh37 (hg19) VCF-style: chr1-208215631-C-A.
Identifiers: ClinVar variation 3351837 (VCV003351837.1).
Genomic context (GRCh38, chr1:208,042,286, plus strand): 5'-CACGTTGCCCCGGTCGCGCATGGAGAAACTGCGCTGCAGCTCCAGGGTGCGGATGAAGGT[C>A]AGCAGGAACACCTTGTTGTTGATGAGCTGGGCAAAGAGCTTCAGGGCCTTCTCCACGTGC-3'
Protein context (NP_079455.3, residues 1356-1376): AQLINNKVFL[Leu1366=]TFIRTLELQR